The following is an entry in ClinVar:

ClinVar aggregate classification (germline): Likely benign (1 of 4 stars; one submission).

gnomAD v4.1: 538 of 1,536,952 alleles (0.035%); highest among the groups gnomAD compares: Non-Finnish European, 0.037%; 1 homozygote.

Submission:

CeGaT Center for Human Genetics Tuebingen
Classification: Likely benign. Last evaluated: 2023-03-01. Review status: criteria provided, single submitter. Criteria: CeGaT Center For Human Genetics Tuebingen Variant Classification Criteria Version 2. Collection method: clinical testing. Allele origin: germline. Affected: yes. Observed: 1 variant allele.
Comment: FREM3: BP4, BP7

NM_001168235.2(FREM3):c.5994C>T (p.Thr1998=)

Gene: FREM3 (FRAS1 related extracellular matrix 3; minus strand). Cytogenetic location: 4q31.21.
Variant type: single nucleotide variant.
Coding change: c.5994C>T on transcript NM_001168235.2 (MANE Select); coding-DNA position 5994, C replaced by T.
Protein change: p.Thr1998=; no amino-acid change (threonine 1998 retained).
Molecular consequence: synonymous variant.
Genome position (GRCh38, 1-based): chr4:143,611,313, G>A on the plus strand (C>T on the coding strand, the complement: FREM3 is on the minus strand). VCF-style: chr4-143611313-G-A. GRCh37 (hg19) VCF-style: chr4-144532466-G-A.
Identifiers: ClinVar variation 2655103 (VCV002655103.24), dbSNP rs535317699, ClinGen allele CA3091526.